The following is an entry in ClinVar:

NM_003784.4(SERPINB7):c.992A>C (p.Glu331Ala)

Gene: SERPINB7 (serpin family B member 7; plus strand). Cytogenetic location: 18q21.33.
Variant type: single nucleotide variant.
Coding change: c.992A>C on transcript NM_003784.4 (MANE Select); coding-DNA position 992, A replaced by C.
Protein change: p.Glu331Ala; replaces glutamic acid 331 with alanine.
Molecular consequence: missense variant.
Genome position (GRCh38, 1-based): chr18:63,804,484, A>C. VCF-style: chr18-63804484-A-C. GRCh37 (hg19) VCF-style: chr18-61471718-A-C.
Other names: c.992A>C, p.Glu331Ala (NM_001040147.3, NM_001261830.2); c.941A>C, p.Glu314Ala (NM_001261831.2); short protein forms E331A, E314A.
Identifiers: ClinVar variation 1379009 (VCV001379009.4), dbSNP rs61761887, ClinGen allele CA8989582.

ClinVar aggregate classification (germline): Uncertain significance. Review status: criteria provided, multiple submitters, no conflicts (2 of 4 stars). 2 submissions from 2 submitters: Uncertain significance (2). Last evaluated 2024-09-20.

Allele frequency attached by ClinVar (database versions not stated): TOPMed 0.00038; ExAC 0.00039; gnomAD exomes 0.00041 and 0.00087; gnomAD 0.00044 and 0.00045; ESP Exome Variant Server 0.00054.
gnomAD v4.1: 1,334 of 1,613,638 alleles (0.083%); highest among the groups gnomAD compares: Non-Finnish European, 0.11%; 1 homozygote.

Submissions (2):

Blueprint Genetics
Classification: Uncertain significance. Last evaluated: 2024-09-20. Review status: criteria provided, single submitter. Criteria: ACMG Guidelines, 2015. Collection method: clinical testing. Allele origin: germline.

Labcorp Genetics (formerly Invitae), Labcorp
Classification: Uncertain significance. Last evaluated: 2021-11-16. Review status: criteria provided, single submitter. Criteria: Invitae Variant Classification Sherloc (09022015). Collection method: clinical testing. Allele origin: germline.
Comment: This sequence change replaces glutamic acid, which is acidic and polar, with alanine, which is neutral and non-polar, at codon 331 of the SERPINB7 protein (p.Glu331Ala). This variant is present in population databases (rs61761887, gnomAD 0.08%). This variant has not been reported in the literature in individuals affected with SERPINB7-related conditions. Algorithms developed to predict the effect of missense changes on protein structure and function are either unavailable or do not agree on the potential impact of this missense change (SIFT: "Deleterious"; PolyPhen-2: "Probably Damaging"; Align-GVGD: "Class C0"). In summary, the available evidence is currently insufficient to determine the role of this variant in disease. Therefore, it has been classified as a Variant of Uncertain Significance.